The following is an entry in ClinVar:

NM_000212.3(ITGB3):c.1794_1817delinsACAT (p.Leu599fs)

Gene: ITGB3 (integrin subunit beta 3; plus strand). Cytogenetic location: 17q21.32.
Variant type: Indel.
Coding change: c.1794_1817delinsACAT on transcript NM_000212.3 (MANE Select); coding-DNA positions 1794 to 1817, GCTGCTGTGCAGCGGCCGCGGCAA replaced by ACAT.
Protein change: p.Leu599fs; shifts the reading frame from leucine 599.
Molecular consequence: frameshift variant.
Genome position (GRCh38, 1-based): chr17:47,299,411-47,299,434, GCTGCTGTGCAGCGGCCGCGGCAA replaced by ACAT. VCF-style: chr17-47299411-GCTGCTGTGCAGCGGCCGCGGCAA-ACAT. GRCh37 (hg19) VCF-style: chr17-45376777-GCTGCTGTGCAGCGGCCGCGGCAA-ACAT.
Other names: short protein forms L599fs.
Identifiers: ClinVar variation 2585284 (VCV002585284.1), dbSNP rs2547621050, ClinGen allele CA2582342190.

ClinVar aggregate classification (germline): Likely pathogenic (1 of 4 stars; one submission).

Conditions:
Glanzmann thrombasthenia 2. Also called: BLEEDING DISORDER, PLATELET-TYPE, 23. Identifiers: MedGen C5543273, MONDO:0031009, OMIM 619267.

Submission:

Neuberg Centre For Genomic Medicine, NCGM
Classification: Likely pathogenic for Glanzmann thrombasthenia 2. Review status: criteria provided, single submitter. Criteria: ACMG Guidelines, 2015. Collection method: clinical testing. Allele origin: germline. Inheritance: Autosomal recessive inheritance. Affected: yes.
Comment: The frameshift deletion p.Leu599HisfsTer3 in ITGB3 (NM_000212.3) has not been reported previously as a pathogenic variant nor as a benign variant, to our knowledge. The p.Leu599HisfsTer3 variant is novel (not in any individuals) in gnomAD Exomes and is novel (not in any individuals) in 1000 Genomes. This variant is predicted to cause loss of normal protein function through protein truncation caused a frameshift mutation. The p.Leu599HisfsTer3 variant is a loss of function variant in the gene ITGB3, which is intolerant of Loss of Function variants. For these reasons, this variant has been classified as Likely Pathogenic.